The following is an entry in ClinVar:

NM_031892.3(SH3KBP1):c.42C>T (p.His14=)

Gene: SH3KBP1 (SH3 domain containing kinase binding protein 1; minus strand). Cytogenetic location: Xp22.12.
Variant type: single nucleotide variant.
Coding change: c.42C>T on transcript NM_031892.3 (MANE Select); coding-DNA position 42, C replaced by T.
Protein change: p.His14=; no amino-acid change (histidine 14 retained).
Molecular consequence: synonymous variant.
Genome position (GRCh38, 1-based): chrX:19,836,245, G>A on the plus strand (C>T on the coding strand, the complement: SH3KBP1 is on the minus strand). VCF-style: chrX-19836245-G-A. GRCh37 (hg19) VCF-style: chrX-19854363-G-A.
Other names: c.42C>T, p.His14= (NM_001353890.2, NM_001353891.2, NM_001353892.2); c.42C>T (NM_001353891.1).
Identifiers: ClinVar variation 769173 (VCV000769173.15), dbSNP rs7882276, ClinGen allele CA10364988.
Genomic context (GRCh38, chrX:19,836,245, plus strand): 5'-TCCATCCTCCTTCCTGATGTTGGTGATGATTTCACCCACGCTGATCGTCAGCTCATCATC[G>A]TGCTGGGCCTGGTAGTCAAACTCCACTATGGCCTCCACTGGAAGGAACAGGGAAAACAGA-3'
Protein context (NP_114098.1, residues 4-24): AIVEFDYQAQ[His14=]DDELTISVGE

ClinVar aggregate classification (germline): Benign. Review status: criteria provided, multiple submitters, no conflicts (2 of 4 stars). 4 submissions from 4 submitters: Benign (3). 1 of the submissions does not count toward it. Last evaluated 2026-02-02.

Conditions:
SH3KBP1-related disorder. Also called: SH3KBP1-related condition.

Allele frequency attached by ClinVar (database versions not stated): gnomAD exomes 0.00229 and 0.00704; ExAC 0.00841; gnomAD 0.02211 and 0.02396; 1000 Genomes Project 0.02437; TOPMed 0.02597; ESP Exome Variant Server 0.03143; 1000 Genomes Project 30x 0.02393.
gnomAD v4.1: 5,135 of 1,208,499 alleles (0.42%); highest among the groups gnomAD compares: African/African-American, 7.6%; 138 homozygotes.

Submissions (4):

Labcorp Genetics (formerly Invitae), Labcorp
Classification: Benign. Last evaluated: 2026-02-02. Review status: criteria provided, single submitter. Criteria: Invitae Variant Classification Sherloc (09022015). Collection method: clinical testing. Allele origin: germline.

Women's Health and Genetics/Laboratory Corporation of America, LabCorp
Classification: Benign. Last evaluated: 2026-01-22. Review status: criteria provided, single submitter. Criteria: LabCorp Variant Classification Summary - May 2015. Collection method: clinical testing. Allele origin: germline.

Breakthrough Genomics
Classification: Benign. Review status: criteria provided, single submitter. Criteria: ACMG Guidelines, 2015. Collection method: not provided. Allele origin: germline. Inheritance: X-linked inheritance. Affected: yes.

PreventionGenetics, part of Exact Sciences
Classification: Benign for SH3KBP1-related condition. Last evaluated: 2020-02-17. Review status: no assertion criteria provided. Collection method: clinical testing. Allele origin: germline. Not counted in ClinVar's aggregate classification.
Comment: This variant is classified as benign based on ACMG/AMP sequence variant interpretation guidelines (Richards et al. 2015 PMID: 25741868, with internal and published modifications).